The following is an entry in ClinVar:

NM_001376.5(DYNC1H1):c.6892C>T (p.Arg2298Cys)

Gene: DYNC1H1 (dynein cytoplasmic 1 heavy chain 1; plus strand). Cytogenetic location: 14q32.31.
Variant type: single nucleotide variant.
Coding change: c.6892C>T on transcript NM_001376.5 (MANE Select); coding-DNA position 6892, C replaced by T.
Protein change: p.Arg2298Cys; replaces arginine 2298 with cysteine.
Molecular consequence: missense variant.
Genome position (GRCh38, 1-based): chr14:102,012,348, C>T. VCF-style: chr14-102012348-C-T. GRCh37 (hg19) VCF-style: chr14-102478685-C-T.
Other names: short protein forms R2298C.
Identifiers: ClinVar variation 1413919 (VCV001413919.6), dbSNP rs2152579378, ClinGen allele CA391058553.

ClinVar aggregate classification (germline): Uncertain significance (1 of 4 stars; one submission).

Conditions:
Charcot-Marie-Tooth disease axonal type 2O. Also called: Charcot-Marie-Tooth disease, axonal, type 20; Charcot-Marie-Tooth Neuropathy Type 2O; CHARCOT-MARIE-TOOTH NEUROPATHY, AXONAL, TYPE 2O; CHARCOT-MARIE-TOOTH DISEASE, AXONAL, AUTOSOMAL DOMINANT, TYPE 2O. Identifiers: Orphanet 284232, MedGen C3280220, MONDO:0013644, OMIM 614228.

gnomAD v4.1: 2 of 1,614,198 alleles (0.00012%); highest among the groups gnomAD compares: Non-Finnish European, 0.00017%; no homozygotes.

Submission:

Labcorp Genetics (formerly Invitae), Labcorp
Classification: Uncertain significance for Charcot-Marie-Tooth disease axonal type 2O. Last evaluated: 2021-10-14. Review status: criteria provided, single submitter. Criteria: Invitae Variant Classification Sherloc (09022015). Collection method: clinical testing. Allele origin: germline.
Comment: In summary, the available evidence is currently insufficient to determine the role of this variant in disease. Therefore, it has been classified as a Variant of Uncertain Significance. Advanced modeling of protein sequence and biophysical properties (such as structural, functional, and spatial information, amino acid conservation, physicochemical variation, residue mobility, and thermodynamic stability) performed at Invitae indicates that this missense variant is expected to disrupt DYNC1H1 protein function. This missense change has been observed in at least one individual who was not affected with DYNC1H1-related conditions (Invitae). This variant has not been reported in the literature in individuals affected with DYNC1H1-related conditions. This variant is not present in population databases (ExAC no frequency). This sequence change replaces arginine with cysteine at codon 2298 of the DYNC1H1 protein (p.Arg2298Cys). The arginine residue is highly conserved and there is a large physicochemical difference between arginine and cysteine.